The following is an entry in ClinVar:

ClinVar aggregate classification (germline): Uncertain significance (1 of 4 stars; one submission).

Conditions:
Inborn genetic diseases. Identifiers: MedGen C0950123, MeSH D030342.

Submission:

Ambry Genetics
Classification: Uncertain significance for Inborn genetic diseases. Last evaluated: 2026-05-19. Review status: criteria provided, single submitter. Criteria: Ambry Variant Classification Scheme 2023. Collection method: clinical testing. Allele origin: germline.
Comment: The c.1349A>C (p.K450T) alteration is located in exon 10 (coding exon 10) of the ABCB7 gene. This alteration results from a A to C substitution at nucleotide position 1349, causing the lysine (K) at amino acid position 450 to be replaced by a threonine (T). Based on data from gnomAD, the C allele has an overall frequency of <0.001% (1/183195) total alleles studied. The highest observed frequency was 0.008% (1/13159) of African alleles. Based on insufficient or conflicting evidence, the clinical significance of this alteration remains unclear.

NM_001271696.3(ABCB7):c.1346A>C (p.Lys449Thr)

Gene: ABCB7 (ATP binding cassette subfamily B member 7; minus strand). Cytogenetic location: Xq13.3.
Variant type: single nucleotide variant.
Coding change: c.1346A>C on transcript NM_001271696.3 (MANE Select); coding-DNA position 1346, A replaced by C.
Protein change: p.Lys449Thr; replaces lysine 449 with threonine.
Molecular consequence: missense variant.
Genome position (GRCh38, 1-based): chrX:75,070,384, T>G on the plus strand (A>C on the coding strand, the complement: ABCB7 is on the minus strand). VCF-style: chrX-75070384-T-G. GRCh37 (hg19) VCF-style: chrX-74290219-T-G.
Other names: c.1226A>C, p.Lys409Thr (NM_001271697.3); c.1268A>C, p.Lys423Thr (NM_001271698.3); c.1229A>C, p.Lys410Thr (NM_001271699.3); c.1349A>C, p.Lys450Thr (NM_004299.6); short protein forms K409T, K410T, K423T, K449T, K450T.
Identifiers: ClinVar variation 4859237 (VCV004859237.1).
Genomic context (GRCh38, chrX:75,070,384, plus strand): 5'-TGTTCACATACTTTTGAAAAGGTACTATATAGATTACTTACTTTAATTTGGGTGTCTACC[T>G]TGAGTAGAGTAAACAAGGTGTTCATATCTATGAGTGCTTGTCTAGTCTCTCTATATACAG-3'
Protein context (NP_001258625.1, residues 439-459): IDMNTLFTLL[Lys449Thr]VDTQIKDKVM